The following is an entry in ClinVar:

NM_001330078.2(NRXN1):c.2623A>G (p.Asn875Asp)

Gene: NRXN1 (neurexin 1; minus strand). Cytogenetic location: 2p16.3.
Variant type: single nucleotide variant.
Coding change: c.2623A>G on transcript NM_001330078.2 (MANE Select); coding-DNA position 2623, A replaced by G.
Protein change: p.Asn875Asp; replaces asparagine 875 with aspartic acid.
Molecular consequence: missense variant.
Genome position (GRCh38, 1-based): chr2:50,497,589, T>C on the plus strand (A>G on the coding strand, the complement: NRXN1 is on the minus strand). VCF-style: chr2-50497589-T-C. GRCh37 (hg19) VCF-style: chr2-50724727-T-C.
Other names: c.2743A>G, p.Asn915Asp (NM_001135659.3); c.2599A>G, p.Asn867Asp (NM_001330077.2, NM_001330082.2); c.2557A>G, p.Asn853Asp (NM_001330083.2, NM_001330084.2); c.2596A>G, p.Asn866Asp (NM_001330085.2); c.2623A>G, p.Asn875Asp (NM_001330086.2, NM_004801.6); c.2512A>G, p.Asn838Asp (NM_001330087.2, NM_001330096.2); c.2542A>G, p.Asn848Asp (NM_001330088.2); c.2620A>G, p.Asn874Asp (NM_001330093.2); and 2 more; short protein forms N838D, N858D, N867D, N871D, N848D, N866D, N875D, N853D.
Identifiers: ClinVar variation 950477 (VCV000950477.41), dbSNP rs201243629, ClinGen allele CA47360917.

ClinVar aggregate classification (germline): Uncertain significance. Review status: criteria provided, multiple submitters, no conflicts (2 of 4 stars). 4 submissions from 4 submitters: Uncertain significance (4). Last evaluated 2024-08-10.

Conditions:
Pitt-Hopkins-like syndrome 2 (PTHSL2). Identifiers: Orphanet 221150, Orphanet 600663, MedGen C3280479, MONDO:0013690, OMIM 614325.
Inborn genetic diseases. Identifiers: MedGen C0950123, MeSH D030342.

Allele frequency attached by ClinVar (database versions not stated): TOPMed below 0.00001; gnomAD 0.00001; gnomAD exomes 0.00001.
gnomAD v4.1: 16 of 1,613,782 alleles (0.00099%); highest among the groups gnomAD compares: Non-Finnish European, 0.0013%; no homozygotes.

Submissions (4):

Ambry Genetics
Classification: Uncertain significance for Inborn genetic diseases. Last evaluated: 2024-08-10. Review status: criteria provided, single submitter. Criteria: Ambry Variant Classification Scheme 2023. Collection method: clinical testing. Allele origin: germline.

Labcorp Genetics (formerly Invitae), Labcorp
Classification: Uncertain significance for Pitt-Hopkins-like syndrome 2. Last evaluated: 2024-05-15. Review status: criteria provided, single submitter. Criteria: Invitae Variant Classification Sherloc (09022015). Collection method: clinical testing. Allele origin: germline.
Comment: This sequence change replaces asparagine, which is neutral and polar, with aspartic acid, which is acidic and polar, at codon 915 of the NRXN1 protein (p.Asn915Asp). This variant is present in population databases (rs201243629, gnomAD 0.002%). This variant has not been reported in the literature in individuals affected with NRXN1-related conditions. ClinVar contains an entry for this variant (Variation ID: 950477). An algorithm developed to predict the effect of missense changes on protein structure and function (PolyPhen-2) suggests that this variant is likely to be disruptive. In summary, the available evidence is currently insufficient to determine the role of this variant in disease. Therefore, it has been classified as a Variant of Uncertain Significance.

GeneDx
Classification: Uncertain significance. Last evaluated: 2024-01-22. Review status: criteria provided, single submitter. Criteria: GeneDx Variant Classification Process June 2021. Collection method: clinical testing. Allele origin: germline.
Comment: Not observed at significant frequency in large population cohorts (gnomAD); In silico analysis supports that this missense variant has a deleterious effect on protein structure/function; Missense variant in a gene in which most reported pathogenic variants are truncating/loss of function; Has not been previously published as pathogenic or benign to our knowledge

CeGaT Center for Human Genetics Tuebingen
Classification: Uncertain significance. Last evaluated: 2022-10-01. Review status: criteria provided, single submitter. Criteria: CeGaT Center For Human Genetics Tuebingen Variant Classification Criteria Version 2. Collection method: clinical testing. Allele origin: germline. Affected: yes. Observed: 1 variant allele.
Comment: NRXN1: PP3